The following is an entry in ClinVar:

NM_001127222.2(CACNA1A):c.6880dup (p.Arg2294fs)

Gene: CACNA1A (calcium voltage-gated channel subunit alpha1 A; minus strand). Cytogenetic location: 19p13.13.
Variant type: Duplication.
Coding change: c.6880dup on transcript NM_001127222.2 (MANE Select); coding-DNA position 6880, one base duplicated (C; older notation c.6880dupC).
Protein change: p.Arg2294fs; shifts the reading frame from arginine 2294.
Molecular consequence: frameshift variant. On other transcripts: 3 prime UTR variant (3).
Genome position (GRCh38, 1-based): chr19:13,207,954, G duplicated on the plus strand (C on the coding strand, the reverse complement: CACNA1A is on the minus strand); the first of 6 consecutive G bases (chr19:13,207,954-13,207,959); duplicating any one gives the same sequence. VCF-style (leftmost placement, unchanged base first): chr19-13207953-C-CG. GRCh37 (hg19) VCF-style: chr19-13318767-C-CG.
Other names: c.*92dup (NM_000068.4, NM_001127221.2, NM_001174080.2); c.6898dup, p.Arg2300fs (NM_023035.3); short protein forms R2294fs, R2300fs.
Identifiers: ClinVar variation 4886294 (VCV004886294.2).

ClinVar aggregate classification (germline): Uncertain significance (1 of 4 stars; one submission).

Submission:

Dasa
Classification: Uncertain significance. Last evaluated: 2026-01-27. Review status: criteria provided, single submitter. Criteria: DASA Assertion Criteria. Collection method: clinical testing. Allele origin: germline.
Comment: NM_001127222.2(CACNA1A):c.6880dup (p.Arg2294Profs*12) is a frameshift variant in CACNA1A predicted to alter the reading frame and introduce a premature termination codon and is predicted to result in an absent or altered protein product. This variant is rare in population databases. The currently available literature and clinical evidence are not sufficient to establish a definitive association between this variant and the reported condition. Therefore, this variant is classified as a variant of uncertain significance.